The following is an entry in ClinVar:

NM_000477.7(ALB):c.1166A>T (p.Asp389Val)

Gene: ALB (albumin; plus strand). Cytogenetic location: 4q13.3.
Variant type: single nucleotide variant.
Coding change: c.1166A>T on transcript NM_000477.7 (MANE Select); coding-DNA position 1166, A replaced by T.
Protein change: p.Asp389Val; replaces aspartic acid 389 with valine.
Molecular consequence: missense variant.
Genome position (GRCh38, 1-based): chr4:73,415,142, A>T. VCF-style: chr4-73415142-A-T. GRCh37 (hg19) VCF-style: chr4-74280859-A-T.
Other names: D365V; short protein forms D389V.
Identifiers: ClinVar variation 18220 (VCV000018220.7), dbSNP rs78538497, ClinGen allele CA127943.

ClinVar aggregate classification (germline): Uncertain significance. Review status: criteria provided, single submitter (1 of 4 stars). 2 submissions from 2 submitters: Uncertain significance (1). 1 of the submissions does not count toward it. Last evaluated 2017-04-28.

Conditions:
Hyperthyroxinemia, familial dysalbuminemic (FDAH). Also called: EUTHYROID HYPERTHYROXINEMIA 1. Identifiers: MedGen C0342185, MONDO:0014448, OMIM 615999.
ALBUMIN IOWA CITY 1.

Allele frequency attached by ClinVar (database versions not stated): TOPMed 0.00001; gnomAD 0.00001; gnomAD exomes below 0.00001; ExAC 0.00001.
gnomAD v4.1: 7 of 1,614,084 alleles (0.00043%); highest among the groups gnomAD compares: Non-Finnish European, 0.00059%; no homozygotes.

Submissions (2):

Illumina Laboratory Services, Illumina
Classification: Uncertain significance for Hyperthyroxinemia, familial dysalbuminemic. Last evaluated: 2017-04-28. Review status: criteria provided, single submitter. Criteria: ICSL Variant Classification Criteria 13 December 2019. Collection method: clinical testing. Allele origin: germline.
Comment: This variant was observed as part of a predisposition screen in an ostensibly healthy population. A literature search was performed for the gene, cDNA change, and amino acid change (where applicable). Publications were found based on this search. However, the evidence from the literature, in combination with allele frequency data from public databases where available, was not sufficient to rule this variant in or out of causing disease. Therefore, this variant is classified as a variant of unknown significance.

OMIM
Classification: other for ALBUMIN IOWA CITY 1. Last evaluated: 2019-07-18. Review status: no assertion criteria provided. Collection method: literature only. Allele origin: germline. Not counted in ClinVar's aggregate classification.

Literature cited by the submitters: PubMed 1946412 (cited by Illumina Laboratory Services, Illumina and OMIM); PubMed 2226433 (cited by Illumina Laboratory Services, Illumina); PubMed 3479777 (cited by Illumina Laboratory Services, Illumina).